The following is an entry in ClinVar:

NM_018196.4(TMLHE):c.722G>A (p.Arg241Gln)

Gene: TMLHE (trimethyllysine hydroxylase, epsilon; minus strand). Cytogenetic location: Xq28.
Variant type: single nucleotide variant.
Coding change: c.722G>A on transcript NM_018196.4 (MANE Select); coding-DNA position 722, G replaced by A.
Protein change: p.Arg241Gln; replaces arginine 241 with glutamine.
Molecular consequence: missense variant.
Genome position (GRCh38, 1-based): chrX:155,511,709, C>T on the plus strand (G>A on the coding strand, the complement: TMLHE is on the minus strand). VCF-style: chrX-155511709-C-T. GRCh37 (hg19) VCF-style: chrX-154741370-C-T.
Other names: c.722G>A, p.Arg241Gln (NM_001184797.2); short protein forms R241Q.
Identifiers: ClinVar variation 2661879 (VCV002661879.24), dbSNP rs201701235, ClinGen allele CA10569492.
Genomic context (GRCh38, chrX:155,511,709, plus strand): 5'-ACTGTAAAAGTCTAATCCACCTACCCACAGGGCTCTTGAAAATAGGTAGTGTCAGTGTGC[C>T]GATCCAGAGCTAGCTTGGTGTACGCAGTGTCACCTCTGGAGAAGTCTGAAGTGAAATACC-3'
Protein context (NP_060666.1, residues 231-251): DTAYTKLALD[Arg241Gln]HTDTTYFQEP

ClinVar aggregate classification (germline): Likely benign (1 of 4 stars; one submission).

Allele frequency attached by ClinVar (database versions not stated): gnomAD 0.00016; gnomAD exomes 0.00020; 1000 Genomes Project 30x 0.00021; ExAC 0.00023; 1000 Genomes Project 0.00026; ESP Exome Variant Server 0.00028.

Submission:

CeGaT Center for Human Genetics Tuebingen
Classification: Likely benign. Last evaluated: 2022-10-01. Review status: criteria provided, single submitter. Criteria: CeGaT Center For Human Genetics Tuebingen Variant Classification Criteria Version 2. Collection method: clinical testing. Allele origin: germline. Affected: yes. Observed: 2 variant alleles.
Comment: TMLHE: BS2